The following is an entry in ClinVar:

NM_001848.3(COL6A1):c.1830G>T (p.Lys610Asn)

Gene: COL6A1 (collagen type VI alpha 1 chain; plus strand). Cytogenetic location: 21q22.3.
Variant type: single nucleotide variant.
Coding change: c.1830G>T on transcript NM_001848.3 (MANE Select); coding-DNA position 1830, G replaced by T.
Protein change: p.Lys610Asn; replaces lysine 610 with asparagine.
Molecular consequence: missense variant.
Genome position (GRCh38, 1-based): chr21:46,001,260, G>T. VCF-style: chr21-46001260-G-T. GRCh37 (hg19) VCF-style: chr21-47421174-G-T.
Other names: c.1830G>T (NM_001848.2); short protein forms K610N.
Identifiers: ClinVar variation 501783 (VCV000501783.8), dbSNP rs1355588311, ClinGen allele CA410532976.

ClinVar aggregate classification (germline): Uncertain significance. Review status: criteria provided, multiple submitters, no conflicts (2 of 4 stars). 3 submissions from 3 submitters: Uncertain significance (3). Last evaluated 2025-02-15.

Conditions:
Inborn genetic diseases. Identifiers: MedGen C0950123, MeSH D030342.
Bethlem myopathy 1A. Also called: MYOPATHY, BENIGN CONGENITAL, WITH CONTRACTURES; Bethlem myopathy 1; Bethlem Muscular Dystrophy. Identifiers: Orphanet 610, MedGen CN029274, MONDO:0024530, OMIM 158810.

Allele frequency attached by ClinVar (database versions not stated): gnomAD 0.00001; TOPMed 0.00001.
gnomAD v4.1: 7 of 1,608,170 alleles (0.00044%); highest among the groups gnomAD compares: Non-Finnish European, 0.00059%; no homozygotes.

Submissions (3):

Labcorp Genetics (formerly Invitae), Labcorp
Classification: Uncertain significance for Bethlem myopathy 1A. Last evaluated: 2025-02-15. Review status: criteria provided, single submitter. Criteria: Invitae Variant Classification Sherloc (09022015). Collection method: clinical testing. Allele origin: germline.
Comment: This sequence change replaces lysine, which is basic and polar, with asparagine, which is neutral and polar, at codon 610 of the COL6A1 protein (p.Lys610Asn). This variant is not present in population databases (gnomAD no frequency). This variant has not been reported in the literature in individuals affected with COL6A1-related conditions. ClinVar contains an entry for this variant (Variation ID: 501783). Invitae Evidence Modeling of protein sequence and biophysical properties (such as structural, functional, and spatial information, amino acid conservation, physicochemical variation, residue mobility, and thermodynamic stability) indicates that this missense variant is not expected to disrupt COL6A1 protein function with a negative predictive value of 95%. In summary, the available evidence is currently insufficient to determine the role of this variant in disease. Therefore, it has been classified as a Variant of Uncertain Significance.

Ambry Genetics
Classification: Uncertain significance for Inborn genetic diseases. Last evaluated: 2023-01-26. Review status: criteria provided, single submitter. Criteria: Ambry Variant Classification Scheme 2023. Collection method: clinical testing. Allele origin: germline.

Eurofins Ntd Llc (ga)
Classification: Uncertain significance. Last evaluated: 2017-05-05. Review status: criteria provided, single submitter. Criteria: EGL Classification Definitions 2015. Collection method: clinical testing. Allele origin: germline. Observed: 1 variant allele, 1 heterozygote.